The following is an entry in ClinVar:

NM_000282.4(PCCA):c.*159T>G

Genes: GGACT (gamma-glutamylamine cyclotransferase; minus strand), PCCA (propionyl-CoA carboxylase subunit alpha; plus strand). Cytogenetic location: 13q32.3.
Variant type: single nucleotide variant.
Coding change: c.*159T>G on transcript NM_000282.4 (MANE Select); 159 bases downstream of the stop codon, T replaced by G.
Molecular consequence: 3 prime UTR variant. On other transcripts: non-coding transcript variant (5).
Genome position (GRCh38, 1-based): chr13:100,530,325, T>G. VCF-style: chr13-100530325-T-G. GRCh37 (hg19) VCF-style: chr13-101182579-T-G.
Other names: c.*159T>G (NM_001127692.3, NM_001178004.2, NM_001352605.2 and 6 more transcripts); c.*1805A>C (NM_001195087.2, NM_033110.3).
Identifiers: ClinVar variation 310856 (VCV000310856.5), dbSNP rs113356477, ClinGen allele CA10643616.

ClinVar aggregate classification (germline): Likely benign (1 of 4 stars; one submission).

Conditions:
Propionic acidemia (PROP). Also called: GLYCINEMIA, KETOTIC; HYPERGLYCINEMIA WITH KETOACIDOSIS AND LEUKOPENIA; KETOTIC HYPERGLYCINEMIA. Identifiers: Orphanet 35, MedGen C0268579, MONDO:0011628, OMIM 606054, HP:0003571.

Allele frequency attached by ClinVar (database versions not stated): gnomAD exomes 0.00031; gnomAD 0.00239 and 0.00260; 1000 Genomes Project 30x 0.00250; TOPMed 0.00273; 1000 Genomes Project 0.00280.
gnomAD v4.1: 536 of 687,954 alleles (0.078%); highest among the groups gnomAD compares: African/African-American, 0.84%; 2 homozygotes.

Submission:

Illumina Laboratory Services, Illumina
Classification: Likely benign for Propionic acidemia. Last evaluated: 2018-01-13. Review status: criteria provided, single submitter. Criteria: ICSL Variant Classification Criteria 13 December 2019. Collection method: clinical testing. Allele origin: germline.
Comment: This variant was observed in the ICSL laboratory as part of a predisposition screen in an ostensibly healthy population. It had not been previously curated by ICSL or reported in the Human Gene Mutation Database (HGMD: prior to June 1st, 2018), and was therefore a candidate for classification through an automated scoring system. Utilizing variant allele frequency, disease prevalence and penetrance estimates, and inheritance mode, an automated score was calculated to assess if this variant is too frequent to cause the disease. Based on the score and internal cut-off values, a variant classified as likely benign is not then subjected to further curation. The score for this variant resulted in a classification of likely benign for this disease.